The following is an entry in ClinVar:

NC_012920.1(MT-ND6):m.14430A>G

Gene: MT-ND6 (mitochondrially encoded NADH dehydrogenase 6; minus strand).
Variant type: single nucleotide variant.
Genome position: chrM-14430-A-G.
Identifiers: ClinVar variation 4795907 (VCV004795907.2).

ClinVar aggregate classification (germline): Likely pathogenic. Review status: criteria provided, multiple submitters, no conflicts (2 of 4 stars). 2 submissions from 2 submitters: Likely pathogenic (2). Last evaluated 2026-07-16.

Conditions:
Leigh syndrome (NULS). Also called: Leigh's syndrome; Leigh Disease; Leigh's necrotizing encephalopathy; Leigh's disease; Subacute necrotizing encephalopathy; Necrotizing encephalopathy infantile subacute of Leigh. Identifiers: Orphanet 506, MedGen C2931891, MONDO:0009723, OMIM 256000.
Primary Mitochondrial Disorders. Identifiers: MedGen CN381104.

Submissions (2):

Institute of Human Genetics, University of Leipzig Medical Center
Classification: Likely pathogenic for Leigh syndrome. Last evaluated: 2026-07-16. Review status: criteria provided, single submitter. Criteria: ACMG Guidelines, 2015. Collection method: clinical testing. Allele origin: unknown. Inheritance: Mitochondrial inheritance. Affected: yes.
Comment: Criteria applied: PM2,PM5,PS3_SUP,PP3,PP4

Variantyx, Inc.
Classification: Likely pathogenic for Primary mitochondrial disorders. Last evaluated: 2025-05-19. Review status: criteria provided, single submitter. Criteria: Variantyx Assertion Criteria 2022. Collection method: clinical testing. Allele origin: germline.
Comment: The m.14430A>G, c.244T>C, p.Trp82Arg change is a nonsynonymous variant in the MT-ND6 gene. Pathogenic variants in this gene have been associated with primary mitochondrial disorders. Biochemical studies performemd on bological material from the proband's sibling support an electron transport chain enzyme deficiency (PP4). This variant has been observed in another proband whose unaffected family members may have lower to undetectable levels of the variant (PMID: 32432562) (PP1). Functional studies demonstrate a deleterious effect for this variant (PMID: 32432562) (PS3_Moderate) and computational algorithms support a deleterious effect on the gene or gene product (Aggregate Predicted Severity Score: 0.61) (PP3). An alternate amino acid change at this position (m.14430A>C, c.244T>G, p.Trp82Gly) has been previously reported in an affected individual (PMID: 38571879). This variant is absent from control populations (PM2). Based on the current evidence, this variant is classified as likely pathogenic for primary mitochondrial disorders.